The following is an entry in ClinVar:

NM_004656.4(BAP1):c.400G>A (p.Ala134Thr)

Gene: BAP1 (BRCA1 associated deubiquitinase 1; minus strand). Cytogenetic location: 3p21.1.
Variant type: single nucleotide variant.
Coding change: c.400G>A on transcript NM_004656.4 (MANE Select); coding-DNA position 400, G replaced by A.
Protein change: p.Ala134Thr; replaces alanine 134 with threonine.
Molecular consequence: missense variant.
Genome position (GRCh38, 1-based): chr3:52,407,436, C>T on the plus strand (G>A on the coding strand, the complement: BAP1 is on the minus strand). VCF-style: chr3-52407436-C-T. GRCh37 (hg19) VCF-style: chr3-52441452-C-T.
Other names: short protein forms A134T.
Identifiers: ClinVar variation 939854 (VCV000939854.7), dbSNP rs1705202512, ClinGen allele CA353111047.
Genomic context (GRCh38, chr3:52,407,436, plus strand): 5'-CAGCTCCCACAGCTCCCACACACCTGGCATGGCTATTATGGGCCTTGGCCAACTCCGGGG[C>T]ATTGCCAATCGCATATCCTTTGCTCTACGGGGAAGAAAATAAGGCCGTATCAGAATAATT-3'
Protein context (NP_004647.1, residues 124-144): PESKGYAIGN[Ala134Thr]PELAKAHNSH

ClinVar aggregate classification (germline): Uncertain significance (1 of 4 stars; one submission).

Conditions:
BAP1-related tumor predisposition syndrome (TPDS1). Also called: TUMOR PREDISPOSITION SYNDROME 1; BAP1 tumor predisposition syndrome; Tumor susceptibility linked to germline BAP1 mutations; COMMON Syndrome. Identifiers: Orphanet 289539, MedGen C3280492, MONDO:0013692, OMIM 614327.

Submission:

Labcorp Genetics (formerly Invitae), Labcorp
Classification: Uncertain significance for BAP1-related tumor predisposition syndrome. Last evaluated: 2022-07-05. Review status: criteria provided, single submitter. Criteria: Invitae Variant Classification Sherloc (09022015). Collection method: clinical testing. Allele origin: germline.
Comment: This variant is not present in population databases (gnomAD no frequency). This sequence change replaces alanine, which is neutral and non-polar, with threonine, which is neutral and polar, at codon 134 of the BAP1 protein (p.Ala134Thr). This variant has not been reported in the literature in individuals affected with BAP1-related conditions. ClinVar contains an entry for this variant (Variation ID: 939854). Algorithms developed to predict the effect of missense changes on protein structure and function (SIFT, PolyPhen-2, Align-GVGD) all suggest that this variant is likely to be tolerated. In summary, the available evidence is currently insufficient to determine the role of this variant in disease. Therefore, it has been classified as a Variant of Uncertain Significance.